The following is an entry in ClinVar:

NM_203447.4(DOCK8):c.2830G>T (p.Asp944Tyr)

Gene: DOCK8 (dedicator of cytokinesis 8; plus strand). Cytogenetic location: 9p24.3.
Variant type: single nucleotide variant.
Coding change: c.2830G>T on transcript NM_203447.4 (MANE Select); coding-DNA position 2830, G replaced by T.
Protein change: p.Asp944Tyr; replaces aspartic acid 944 with tyrosine.
Molecular consequence: missense variant. On other transcripts: intron variant (1).
Genome position (GRCh38, 1-based): chr9:386,382, G>T. VCF-style: chr9-386382-G-T. GRCh37 (hg19) VCF-style: chr9-386382-G-T.
Other names: c.2626G>T, p.Asp876Tyr (NM_001193536.2); c.2574+3697G>T (NM_001190458.2); short protein forms D876Y, D944Y.
Identifiers: ClinVar variation 1003726 (VCV001003726.8), dbSNP rs745323918, ClinGen allele CA372765595.

ClinVar aggregate classification (germline): Uncertain significance (1 of 4 stars; one submission).

Conditions:
Combined immunodeficiency due to DOCK8 deficiency (HIES2). Also called: HIES autosomal recessive; Hyper-IgE recurrent infection syndrome, autosomal recessive; DOCK8 Deficiency; HYPER-IgE RECURRENT INFECTION SYNDROME 2, AUTOSOMAL RECESSIVE; HYPER-IgE SYNDROME 2, AUTOSOMAL RECESSIVE, WITH RECURRENT INFECTIONS. Identifiers: Orphanet 217390, MedGen C4722305, MONDO:0009478, OMIM 243700.

gnomAD v4.1: 5 of 1,613,956 alleles (0.00031%); highest among the groups gnomAD compares: Non-Finnish European, 0.00042%; no homozygotes.

Submission:

Labcorp Genetics (formerly Invitae), Labcorp
Classification: Uncertain significance for Combined immunodeficiency due to DOCK8 deficiency. Last evaluated: 2025-06-22. Review status: criteria provided, single submitter. Criteria: Invitae Variant Classification Sherloc (09022015). Collection method: clinical testing. Allele origin: germline.
Comment: This sequence change replaces aspartic acid, which is acidic and polar, with tyrosine, which is neutral and polar, at codon 944 of the DOCK8 protein (p.Asp944Tyr). This variant is not present in population databases (gnomAD no frequency). This variant has not been reported in the literature in individuals affected with DOCK8-related conditions. ClinVar contains an entry for this variant (Variation ID: 1003726). An algorithm developed to predict the effect of missense changes on protein structure and function (PolyPhen-2) suggests that this variant is likely to be tolerated. In summary, the available evidence is currently insufficient to determine the role of this variant in disease. Therefore, it has been classified as a Variant of Uncertain Significance.